The following is an entry in ClinVar:

ClinVar aggregate classification (germline): Conflicting classifications of pathogenicity. Review status: criteria provided, conflicting classifications (1 of 4 stars). 4 submissions from 4 submitters: Uncertain significance (3); Likely benign (1). Last evaluated 2025-02-10.

Conditions:
Cardiovascular phenotype. Identifiers: MedGen CN230736.
Dilated cardiomyopathy 1JJ (CMD1JJ). Identifiers: Orphanet 154, MedGen C3808935, MONDO:0014095, OMIM 615235.

Allele frequency attached by ClinVar (database versions not stated): TOPMed 0.00002.
gnomAD v4.1: 52 of 1,613,802 alleles (0.0032%); highest among the groups gnomAD compares: East Asian, 0.018%; no homozygotes.

Submissions (4):

Women's Health and Genetics/Laboratory Corporation of America, LabCorp
Classification: Likely benign. Last evaluated: 2025-02-10. Review status: criteria provided, single submitter. Criteria: LabCorp Variant Classification Summary - May 2015. Collection method: clinical testing. Allele origin: germline.
Comment: Variant summary: LAMA4 c.4583G>A (p.Arg1528His) results in a non-conservative amino acid change located in the Laminin G domain (IPR001791) of the encoded protein sequence. Four of five in-silico tools predict a damaging effect of the variant on protein function. The variant allele was found at a frequency of 4.8e-05 in 250836 control chromosomes. The observed variant frequency is approximately 1.91 fold of the estimated maximal expected allele frequency for a pathogenic variant in LAMA4 causing Cardiomyopathy phenotype (2.5e-05). c.4583G>A has been reported in the literature in an individual affected with Cardiomyopathy (Haskell_2017). These report(s) do not provide unequivocal conclusions about association of the variant with Cardiomyopathy. Co-occurrences with other pathogenic variant(s) have been reported (DSG2 c.676_680del, p.Thr226fs), providing supporting evidence for a benign role. To our knowledge, no experimental evidence demonstrating an impact on protein function has been reported. The following publication have been ascertained in the context of this evaluation (PMID: 28611029). ClinVar contains an entry for this variant (Variation ID: 213607). Based on the evidence outlined above, the variant was classified as likely benign.

Ambry Genetics
Classification: Uncertain significance for Cardiovascular phenotype. Last evaluated: 2024-09-23. Review status: criteria provided, single submitter. Criteria: Ambry Variant Classification Scheme 2023. Collection method: clinical testing. Allele origin: germline.
Comment: The p.R1521H variant (also known as c.4562G>A), located in coding exon 32 of the LAMA4 gene, results from a G to A substitution at nucleotide position 4562. The arginine at codon 1521 is replaced by histidine, an amino acid with highly similar properties. This amino acid position is well conserved in available vertebrate species. In addition, the in silico prediction for this alteration is inconclusive. The evidence for this gene-disease relationship is limited; therefore, the clinical significance of this alteration is unclear.

GeneDx
Classification: Uncertain significance. Last evaluated: 2022-12-21. Review status: criteria provided, single submitter. Criteria: GeneDx Variant Classification Process June 2021. Collection method: clinical testing. Allele origin: germline. Affected: yes.
Comment: Has not been previously published as pathogenic or benign to our knowledge; In silico analysis supports that this missense variant does not alter protein structure/function

Labcorp Genetics (formerly Invitae), Labcorp
Classification: Uncertain significance for Dilated cardiomyopathy 1JJ. Last evaluated: 2021-11-09. Review status: criteria provided, single submitter. Criteria: Invitae Variant Classification Sherloc (09022015). Collection method: clinical testing. Allele origin: germline.
Comment: This variant has not been reported in the literature in individuals affected with LAMA4-related conditions. This variant is present in population databases (rs782805733, gnomAD 0.03%). This sequence change replaces arginine, which is basic and polar, with histidine, which is basic and polar, at codon 1521 of the LAMA4 protein (p.Arg1521His). ClinVar contains an entry for this variant (Variation ID: 213607). In summary, the available evidence is currently insufficient to determine the role of this variant in disease. Therefore, it has been classified as a Variant of Uncertain Significance. Algorithms developed to predict the effect of missense changes on protein structure and function are either unavailable or do not agree on the potential impact of this missense change (SIFT: "Deleterious"; PolyPhen-2: "Probably Damaging"; Align-GVGD: "Class C0").

Literature cited by the submitters: PubMed 28611029 (cited by Women's Health and Genetics/Laboratory Corporation of America, LabCorp).

NM_001105206.3(LAMA4):c.4583G>A (p.Arg1528His)

Gene: LAMA4 (laminin subunit alpha 4; minus strand). Cytogenetic location: 6q21.
Variant type: single nucleotide variant.
Coding change: c.4583G>A on transcript NM_001105206.3 (MANE Select); coding-DNA position 4583, G replaced by A.
Protein change: p.Arg1528His; replaces arginine 1528 with histidine.
Molecular consequence: missense variant.
Genome position (GRCh38, 1-based): chr6:112,120,365, C>T on the plus strand (G>A on the coding strand, the complement: LAMA4 is on the minus strand). VCF-style: chr6-112120365-C-T. GRCh37 (hg19) VCF-style: chr6-112441568-C-T.
Other names: p.R1521H:CGC>CAC; c.4562G>A, p.Arg1521His (NM_001105207.3, NM_002290.5); short protein forms R1521H, R1528H.
Identifiers: ClinVar variation 213607 (VCV000213607.15), dbSNP rs782805733, ClinGen allele CA323014.